The following is an entry in ClinVar:

NM_021267.5(CERS1):c.753-3C>A

Genes: CERS1 (ceramide synthase 1; minus strand), GDF1 (growth differentiation factor 1; minus strand). Cytogenetic location: 19p13.11.
Variant type: single nucleotide variant.
Coding change: c.753-3C>A on transcript NM_021267.5 (MANE Select); 3 bases into the intron before coding-DNA position 753, C replaced by A.
Molecular consequence: intron variant.
Genome position (GRCh38, 1-based): chr19:18,879,391, G>T on the plus strand (C>A on the coding strand, the complement: CERS1 is on the minus strand). VCF-style: chr19-18879391-G-T. GRCh37 (hg19) VCF-style: chr19-18990200-G-T.
Other names: c.753-3C>A (NM_001387440.1, NM_001387439.1, NM_198207.3); c.459-3C>A (NM_001387443.1, NM_001387442.1, NM_001290265.2 and 2 more transcripts); c.708-3C>A (NM_001387441.1); c.-313+4696C>A (NM_001387438.1); c.-570-3C>A (NM_001492.6).
Identifiers: ClinVar variation 2093063 (VCV002093063.4), dbSNP rs2512979667, ClinGen allele CA2580096775.
Genomic context (GRCh38, chr19:18,879,391, plus strand): 5'-GCAGTGACTGGTGGCATACAGGACCTTGAGCGGGAACCAGTAGAGGCGGAACCAGAACCT[G>T]CGGTGGGAGGAGTCAGGAGGCCGTGGGTGGAGGGGGACGGTGCCCTACCCAGTCCCTGTC-3'

ClinVar aggregate classification (germline): Uncertain significance (1 of 4 stars; one submission).

Conditions:
Progressive myoclonic epilepsy type 8. Identifiers: Orphanet 424027, MedGen C5190825, MONDO:0014545, OMIM 616230.

Submission:

Labcorp Genetics (formerly Invitae), Labcorp
Classification: Uncertain significance for Progressive myoclonic epilepsy type 8. Last evaluated: 2022-02-04. Review status: criteria provided, single submitter. Criteria: Invitae Variant Classification Sherloc (09022015). Collection method: clinical testing. Allele origin: germline.
Comment: Variants that disrupt the consensus splice site are a relatively common cause of aberrant splicing (PMID: 17576681, 9536098). Algorithms developed to predict the effect of sequence changes on RNA splicing suggest that this variant may disrupt the consensus splice site. This variant has not been reported in the literature in individuals affected with CERS1-related conditions. This variant is not present in population databases (gnomAD no frequency). This sequence change falls in intron 4 of the CERS1 gene. It does not directly change the encoded amino acid sequence of the CERS1 protein. It affects a nucleotide within the consensus splice site. In summary, the available evidence is currently insufficient to determine the role of this variant in disease. Therefore, it has been classified as a Variant of Uncertain Significance.

Literature cited by the submitters: PubMed 17576681; PubMed 9536098.